The following is an entry in ClinVar:

ClinVar aggregate classification (germline): Uncertain significance (1 of 4 stars; one submission).

gnomAD v4.1: 2 of 1,614,030 alleles (0.00012%); highest among the groups gnomAD compares: Admixed American, 0.0033%; no homozygotes.

Submission:

Labcorp Genetics (formerly Invitae), Labcorp
Classification: Uncertain significance. Last evaluated: 2022-07-19. Review status: criteria provided, single submitter. Criteria: Invitae Variant Classification Sherloc (09022015). Collection method: clinical testing. Allele origin: germline.
Comment: In summary, the available evidence is currently insufficient to determine the role of this variant in disease. Therefore, it has been classified as a Variant of Uncertain Significance. Algorithms developed to predict the effect of missense changes on protein structure and function output the following: SIFT: "Not Available"; PolyPhen-2: "Benign"; Align-GVGD: "Not Available". The glutamine amino acid residue is found in multiple mammalian species, which suggests that this missense change does not adversely affect protein function. ClinVar contains an entry for this variant (Variation ID: 1427455). This variant has not been reported in the literature in individuals affected with ADAMTS18-related conditions. This variant is present in population databases (no rsID available, gnomAD 0.003%). This sequence change replaces proline, which is neutral and non-polar, with glutamine, which is neutral and polar, at codon 868 of the ADAMTS18 protein (p.Pro868Gln).

NM_199355.4(ADAMTS18):c.2603C>A (p.Pro868Gln)

Gene: ADAMTS18 (ADAM metallopeptidase with thrombospondin type 1 motif 18; minus strand). Cytogenetic location: 16q23.1.
Variant type: single nucleotide variant.
Coding change: c.2603C>A on transcript NM_199355.4 (MANE Select); coding-DNA position 2603, C replaced by A.
Protein change: p.Pro868Gln; replaces proline 868 with glutamine.
Molecular consequence: missense variant.
Genome position (GRCh38, 1-based): chr16:77,300,334, G>T on the plus strand (C>A on the coding strand, the complement: ADAMTS18 is on the minus strand). VCF-style: chr16-77300334-G-T. GRCh37 (hg19) VCF-style: chr16-77334231-G-T.
Other names: c.2087C>A, p.Pro696Gln (NM_001326358.2); short protein forms P868Q, P696Q.
Identifiers: ClinVar variation 1427455 (VCV001427455.6), dbSNP rs775836048, ClinGen allele CA284370487.